The following is an entry in ClinVar:

ClinVar aggregate classification (germline): Uncertain significance (1 of 4 stars; one submission).

Conditions:
Cardiovascular phenotype. Identifiers: MedGen CN230736.

Submission:

Ambry Genetics
Classification: Uncertain significance for Cardiovascular phenotype. Last evaluated: 2026-09-10. Review status: criteria provided, single submitter. Criteria: Ambry Variant Classification Scheme 2023. Collection method: clinical testing. Allele origin: germline.
Comment: The p.M155R variant (also known as c.464T>G), located in coding exon 7 of the TNNI3 gene, results from a T to G substitution at nucleotide position 464. The methionine at codon 155 is replaced by arginine, an amino acid with similar properties. This amino acid position is not well conserved in available vertebrate species. In addition, this alteration is predicted to be deleterious by in silico analysis. Based on the available evidence, the clinical significance of this variant remains unclear.

NM_000363.5(TNNI3):c.464T>G (p.Met155Arg)

Gene: TNNI3 (troponin I3, cardiac type; minus strand). Cytogenetic location: 19q13.42.
Variant type: single nucleotide variant.
Coding change: c.464T>G on transcript NM_000363.5 (MANE Select); coding-DNA position 464, T replaced by G.
Protein change: p.Met155Arg; replaces methionine 155 with arginine.
Molecular consequence: missense variant.
Genome position (GRCh38, 1-based): chr19:55,154,115, A>C on the plus strand (T>G on the coding strand, the complement: TNNI3 is on the minus strand). VCF-style: chr19-55154115-A-C. GRCh37 (hg19) VCF-style: chr19-55665483-A-C.
Other names: short protein forms M155R.
Identifiers: ClinVar variation 5030979 (VCV005030979.1).
Genomic context (GRCh38, chr19:55,154,115, plus strand): 5'-TGCTTGAGGTGGGCCCGCAGGTCCAGGGACTCCTTAGCCCGGGCCCCCAGCAGCGCCTGC[A>C]TCATGGCATCTGCAGAGATCCTCACTCTCCGCAGGGTGGGCCGCTTAAACTTGCCTCGAA-3'
Protein context (NP_000354.4, residues 145-165): RRVRISADAM[Met155Arg]QALLGARAKE